The following is an entry in ClinVar:

NM_001099857.5(IKBKG):c.988C>T (p.Gln330Ter)

Gene: IKBKG (inhibitor of nuclear factor kappa B kinase regulatory subunit gamma; plus strand). Cytogenetic location: Xq28.
Variant type: single nucleotide variant.
Coding change: c.988C>T on transcript NM_001099857.5 (MANE Select); coding-DNA position 988, C replaced by T.
Protein change: p.Gln330Ter; replaces glutamine 330 with a stop codon.
Molecular consequence: nonsense. On other transcripts: non-coding transcript variant (1).
Genome position (GRCh38, 1-based): chrX:154,563,634, C>T. VCF-style: chrX-154563634-C-T. GRCh37 (hg19) VCF-style: chrX-153791849-C-T.
Other names: c.1192C>T, p.Gln398Ter (NM_001099856.6); c.691C>T, p.Gln231Ter (NM_001145255.4); c.988C>T, p.Gln330Ter (NM_001321396.3, NM_001377312.1, NM_003639.4); c.985C>T, p.Gln329Ter (NM_001321397.3, NM_001377313.1); c.832C>T, p.Gln278Ter (NM_001377314.1); c.619C>T, p.Gln207Ter (NM_001377315.1); short protein forms Q207*, Q231*, Q278*, Q329*, Q330*, Q398*.
Identifiers: ClinVar variation 2572728 (VCV002572728.1), dbSNP rs2523379864, ClinGen allele CA415217941.

ClinVar aggregate classification (germline): Likely pathogenic (1 of 4 stars; one submission).

Submission:

GeneDx
Classification: Likely pathogenic. Last evaluated: 2023-07-12. Review status: criteria provided, single submitter. Criteria: GeneDx Variant Classification Process June 2021. Collection method: clinical testing. Allele origin: germline. Affected: yes.
Comment: Nonsense variant predicted to result in protein truncation or nonsense mediated decay in a gene for which loss of function is a known mechanism of disease; This variant is associated with the following publications: (PMID: Furthmann2023[CaseReport])